The following is an entry in ClinVar:

ClinVar aggregate classification (germline): Uncertain significance (1 of 4 stars; one submission).

Submission:

GeneDx
Classification: Uncertain significance. Last evaluated: 2022-01-10. Review status: criteria provided, single submitter. Criteria: GeneDx Variant Classification Process June 2021. Collection method: clinical testing. Allele origin: germline. Affected: yes.
Comment: Not observed at significant frequency in large population cohorts (gnomAD); In silico analysis supports that this missense variant has a deleterious effect on protein structure/function; Has not been previously published as pathogenic or benign to our knowledge

NM_001271938.2(MEGF8):c.8381C>G (p.Pro2794Arg)

Gene: MEGF8 (multiple EGF like domains 8; plus strand). Cytogenetic location: 19q13.2.
Variant type: single nucleotide variant.
Coding change: c.8381C>G on transcript NM_001271938.2 (MANE Select); coding-DNA position 8381, C replaced by G.
Protein change: p.Pro2794Arg; replaces proline 2794 with arginine.
Molecular consequence: missense variant.
Genome position (GRCh38, 1-based): chr19:42,376,618, C>G. VCF-style: chr19-42376618-C-G. GRCh37 (hg19) VCF-style: chr19-42880770-C-G.
Other names: c.8180C>G, p.Pro2727Arg (NM_001410.3); short protein forms P2727R, P2794R.
Identifiers: ClinVar variation 1695764 (VCV001695764.2), dbSNP rs2147521192, ClinGen allele CA406143529.